The following is an entry in ClinVar:

ClinVar aggregate classification (germline): Pathogenic (1 of 4 stars; one submission).

Conditions:
Intellectual developmental disorder, autosomal recessive 5. Also called: Intellectual disability, autosomal recessive 5. Identifiers: Orphanet 88616, MedGen C1970199, MONDO:0012613, OMIM 611091.

Submission:

3billion
Classification: Pathogenic for Intellectual developmental disorder, autosomal recessive 5. Last evaluated: 2025-11-25. Review status: criteria provided, single submitter. Criteria: ACMG Guidelines, 2015. Collection method: clinical testing. Allele origin: germline. Affected: yes.
Comment: The variant is observed at an extremely low frequency in the gnomAD v4.1.0 dataset (total allele frequency: <0.001%). Predicted Consequence/Location: Frameshift: predicted to result in a loss or disruption of normal protein function through nonsense-mediated decay (NMD) or protein truncation. Multiple pathogenic variants are reported downstream of the variant. Therefore, this variant is classified as Pathogenic according to the recommendation of ACMG/AMP guideline.

NM_017755.6(NSUN2):c.1290dup (p.Ser431fs)

Gene: NSUN2 (NOP2/Sun RNA methyltransferase 2; minus strand). Cytogenetic location: 5p15.31.
Variant type: Duplication.
Coding change: c.1290dup on transcript NM_017755.6 (MANE Select); coding-DNA position 1290, one base duplicated (A; older notation c.1290dupA).
Protein change: p.Ser431fs; shifts the reading frame from serine 431.
Molecular consequence: frameshift variant. On other transcripts: non-coding transcript variant (1).
Genome position (GRCh38, 1-based): chr5:6,609,859, T duplicated on the plus strand (A on the coding strand, the reverse complement: NSUN2 is on the minus strand); the first of 6 consecutive T bases (chr5:6,609,859-6,609,864); duplicating any one gives the same sequence. VCF-style (leftmost placement, unchanged base first): chr5-6609858-A-AT. GRCh37 (hg19) VCF-style: chr5-6609971-A-AT.
Other names: c.1185dup, p.Ser396fs (NM_001193455.2); short protein forms S396fs, S431fs.
Identifiers: ClinVar variation 4855288 (VCV004855288.1).